The following is an entry in ClinVar:

NM_005732.4(RAD50):c.1669T>G (p.Ser557Ala)

Gene: RAD50 (RAD50 double strand break repair protein; plus strand). Cytogenetic location: 5q31.1.
Variant type: single nucleotide variant.
Coding change: c.1669T>G on transcript NM_005732.4 (MANE Select); coding-DNA position 1669, T replaced by G.
Protein change: p.Ser557Ala; replaces serine 557 with alanine.
Molecular consequence: missense variant.
Genome position (GRCh38, 1-based): chr5:132,591,910, T>G. VCF-style: chr5-132591910-T-G. GRCh37 (hg19) VCF-style: chr5-131927602-T-G.
Other names: short protein forms S557A.
Identifiers: ClinVar variation 480415 (VCV000480415.5), dbSNP rs1554098472, ClinGen allele CA360946397.

ClinVar aggregate classification (germline): Uncertain significance (1 of 4 stars; one submission).

Conditions:
Hereditary cancer-predisposing syndrome. Also called: Hereditary Cancer Syndrome; Neoplastic Syndromes, Hereditary; Tumor predisposition; Hereditary neoplastic syndrome. Identifiers: Orphanet 140162, MedGen C0027672, MeSH D009386, MONDO:0015356.

Submission:

Ambry Genetics
Classification: Uncertain significance for Hereditary cancer-predisposing syndrome. Last evaluated: 2016-02-23. Review status: criteria provided, single submitter. Criteria: Ambry Variant Classification Scheme 2023. Collection method: clinical testing. Allele origin: germline.
Comment: The p.S557A variant (also known as c.1669T>G), located in coding exon 11 of the RAD50 gene, results from a T to G substitution at nucleotide position 1669. The serine at codon 557 is replaced by alanine, an amino acid with similar properties. This variant was not reported in population based cohorts in the following databases: Database of Single Nucleotide Polymorphisms (dbSNP), NHLBI Exome Sequencing Project (ESP), and 1000 Genomes Project. In the ESP, this variant was not observed in 6501 samples (13002 alleles) with coverage at this position. To date, this alteration has been detected with an allele frequency of approximately 0.001% (greater than 120000 alleles tested) in our clinical cohort. This amino acid position is well conserved in available vertebrate species. In addition, this alteration is predicted to be tolerated by in silico analysis. Since supporting evidence is limited at this time, the clinical significance of this alteration remains unclear.